The following is an entry in ClinVar:

NM_006563.5(KLF1):c.422G>A (p.Arg141Gln)

Genes: KLF1 (KLF transcription factor 1; minus strand), LOC130063673 (ATAC-STARR-seq lymphoblastoid silent region 10180; plus strand). Cytogenetic location: 19p13.13.
Variant type: single nucleotide variant.
Coding change: c.422G>A on transcript NM_006563.5 (MANE Select); coding-DNA position 422, G replaced by A.
Protein change: p.Arg141Gln; replaces arginine 141 with glutamine.
Molecular consequence: missense variant.
Genome position (GRCh38, 1-based): chr19:12,885,808, C>T on the plus strand (G>A on the coding strand, the complement: KLF1 is on the minus strand). VCF-style: chr19-12885808-C-T. GRCh37 (hg19) VCF-style: chr19-12996622-C-T.
Other names: short protein forms R141Q.
Identifiers: ClinVar variation 4693754 (VCV004693754.1).
Genomic context (GRCh38, chr19:12,885,808, plus strand): 5'-GGCTCGGGGGCCGGGGCTGGAGCCAGGGCTGGGCCCACGAAGGCGTCGGGAGCCCGGGCT[C>T]GCAGGGCAGGGCGCACCCAACCCGAGTGATCCTCCGAACCCAAAAGCCCAGCCACCAGCC-3'
Protein context (NP_006554.1, residues 131-151): DHSGWVRPAL[Arg141Gln]ARAPDAFVGP

ClinVar aggregate classification (germline): Uncertain significance (1 of 4 stars; one submission).

Submission:

Labcorp Genetics (formerly Invitae), Labcorp
Classification: Uncertain significance. Last evaluated: 2025-04-19. Review status: criteria provided, single submitter. Criteria: Invitae Variant Classification Sherloc (09022015). Collection method: clinical testing. Allele origin: germline.
Comment: This sequence change replaces arginine, which is basic and polar, with glutamine, which is neutral and polar, at codon 141 of the KLF1 protein (p.Arg141Gln). This variant is not present in population databases (gnomAD no frequency). This variant has not been reported in the literature in individuals affected with KLF1-related conditions. Invitae Evidence Modeling of protein sequence and biophysical properties (such as structural, functional, and spatial information, amino acid conservation, physicochemical variation, residue mobility, and thermodynamic stability) indicates that this missense variant is not expected to disrupt KLF1 protein function with a negative predictive value of 80%. In summary, the available evidence is currently insufficient to determine the role of this variant in disease. Therefore, it has been classified as a Variant of Uncertain Significance.